The following is an entry in ClinVar:

ClinVar aggregate classification (germline): Uncertain significance (1 of 4 stars; one submission).

gnomAD v4.1: 7 of 1,613,628 alleles (0.00043%); highest among the groups gnomAD compares: South Asian, 0.0022%; no homozygotes.

Submission:

Labcorp Genetics (formerly Invitae), Labcorp
Classification: Uncertain significance. Last evaluated: 2025-05-13. Review status: criteria provided, single submitter. Criteria: Invitae Variant Classification Sherloc (09022015). Collection method: clinical testing. Allele origin: germline.
Comment: This sequence change replaces threonine, which is neutral and polar, with isoleucine, which is neutral and non-polar, at codon 330 of the DMXL2 protein (p.Thr330Ile). This variant is present in population databases (rs541054530, gnomAD 0.003%). This variant has not been reported in the literature in individuals affected with DMXL2-related conditions. An algorithm developed to predict the effect of missense changes on protein structure and function (PolyPhen-2) suggests that this variant is likely to be disruptive. In summary, the available evidence is currently insufficient to determine the role of this variant in disease. Therefore, it has been classified as a Variant of Uncertain Significance.

NM_001378457.1(DMXL2):c.989C>T (p.Thr330Ile)

Gene: DMXL2 (Dmx like 2; minus strand). Cytogenetic location: 15q21.2.
Variant type: single nucleotide variant.
Coding change: c.989C>T on transcript NM_001378457.1 (MANE Select); coding-DNA position 989, C replaced by T.
Protein change: p.Thr330Ile; replaces threonine 330 with isoleucine.
Molecular consequence: missense variant. On other transcripts: non-coding transcript variant (2).
Genome position (GRCh38, 1-based): chr15:51,542,449, G>A on the plus strand (C>T on the coding strand, the complement: DMXL2 is on the minus strand). VCF-style: chr15-51542449-G-A. GRCh37 (hg19) VCF-style: chr15-51834646-G-A.
Other names: c.989C>T, p.Thr330Ile (NM_001174116.3, NM_001174117.3, NM_001378458.1 and 7 more transcripts); short protein forms T330I.
Identifiers: ClinVar variation 4740051 (VCV004740051.1).
Genomic context (GRCh38, chr15:51,542,449, plus strand): 5'-TGGGAAATGTGTCTTTGAACTTCATGCATTGCTGTCTGGTCGGGCATTAATTCAGCATGA[G>A]TTACAAGAACAGATGACCTCCTCTGTCCTTTCCTTAAATTTTTCAAATGGTGTATTGTCT-3'
Protein context (NP_001365386.1, residues 320-340): KGQRRSSVLV[Thr330Ile]HAELMPDQTA